The following is an entry in ClinVar:

NM_001927.4(DES):c.792C>T (p.Asp264=)

Gene: DES (desmin; plus strand). Cytogenetic location: 2q35.
Variant type: single nucleotide variant.
Coding change: c.792C>T on transcript NM_001927.4 (MANE Select); coding-DNA position 792, C replaced by T.
Protein change: p.Asp264=; no amino-acid change (aspartic acid 264 retained).
Molecular consequence: synonymous variant.
Genome position (GRCh38, 1-based): chr2:219,420,551, C>T. VCF-style: chr2-219420551-C-T. GRCh37 (hg19) VCF-style: chr2-220285273-C-T.
Other names: p.Asp264=.
Identifiers: ClinVar variation 44271 (VCV000044271.51), dbSNP rs150370918, ClinGen allele CA133876.

ClinVar aggregate classification (germline): Benign/Likely benign. Review status: criteria provided, multiple submitters, no conflicts (2 of 4 stars). 20 submissions from 18 submitters: Benign (13); Likely benign (4). 3 of the submissions do not count toward it. Last evaluated 2026-02-02.

Conditions:
Cardiovascular phenotype. Identifiers: MedGen CN230736.
Dilated cardiomyopathy 1I (CMD1I). Identifiers: Orphanet 154, MedGen C1858154, MONDO:0011482, OMIM 604765.
Desmin-related myofibrillar myopathy (MFM1). Also called: MYOFIBRILLAR MYOPATHY WITH ARRHYTHMOGENIC RIGHT VENTRICULAR CARDIOMYOPATHY; DESMIN-RELATED MYOPATHY WITH ARRHYTHMOGENIC RIGHT VENTRICULAR CARDIOMYOPATHY; Desminopathy; Desmin related myopathy (former name); Desmin storage myopathy (former name); Myofibrillar myopathy 1. Identifiers: Orphanet 363543, Orphanet 98909, MedGen C1832370, MONDO:0011076, OMIM 601419.
Neurogenic scapuloperoneal syndrome, Kaeser type (SCPNK). Also called: KAESER SYNDROME. Identifiers: Orphanet 85146, MedGen C1867005, MONDO:0008407, OMIM 181400.
Cardiomyopathy (CMYO). Also called: Cardiomyopathies. Identifiers: Orphanet 167848, MedGen C0878544, MONDO:0004994, HP:0001638. Inheritance: Various modes of inheritance.

Allele frequency attached by ClinVar (database versions not stated): TOPMed 0.00351; ExAC 0.00394; 1000 Genomes Project 0.00419; 1000 Genomes Project 30x 0.00422; gnomAD exomes 0.00526 and 0.00119; ESP Exome Variant Server 0.00077; gnomAD 0.00168 and 0.00175.
gnomAD v4.1: 2,008 of 1,613,928 alleles (0.12%); highest among the groups gnomAD compares: Admixed American, 2.8%; 48 homozygotes.

Submissions (20):

Labcorp Genetics (formerly Invitae), Labcorp
Classification: Benign for Desmin-related myofibrillar myopathy. Last evaluated: 2026-02-02. Review status: criteria provided, single submitter. Criteria: Invitae Variant Classification Sherloc (09022015). Collection method: clinical testing. Allele origin: germline.

Athena Diagnostics
Classification: Benign. Last evaluated: 2025-09-08. Review status: criteria provided, single submitter. Criteria: Athena Diagnostics Criteria. Collection method: clinical testing. Allele origin: unknown.
Comment: The frequency of this variant in the general population is higher than would generally be expected for pathogenic variants in this gene. Computational tools yielded predictions that this variant is unlikely to have an effect on normal RNA splicing. This nucleotide position exhibits low evolutionary conservation.

Molecular Diagnostic Laboratory for Inherited Cardiovascular Disease, Montreal Heart Institute
Classification: Benign. Last evaluated: 2025-04-09. Review status: criteria provided, single submitter. Criteria: ACMG Guidelines, 2015. Collection method: clinical testing. Allele origin: germline. Affected: no.

ARUP Laboratories, Molecular Genetics and Genomics, ARUP Laboratories
Classification: Benign. Last evaluated: 2024-11-01. Review status: criteria provided, single submitter. Criteria: ARUP Molecular Germline Variant Investigation Process 2024. Collection method: clinical testing. Allele origin: germline.

CHEO Genetics Diagnostic Laboratory, Children's Hospital of Eastern Ontario
Classification: Benign for Cardiomyopathy. Last evaluated: 2023-05-16. Review status: criteria provided, single submitter. Criteria: ACMG Guidelines, 2015. Collection method: clinical testing. Allele origin: germline.

Mayo Clinic Laboratories, Mayo Clinic
Classification: Benign. Last evaluated: 2022-10-21. Review status: criteria provided, single submitter. Criteria: ACMG Guidelines, 2015. Collection method: clinical testing. Allele origin: germline. Observed: 16 variant alleles.

Fulgent Genetics
Classification: Likely benign for Neurogenic scapuloperoneal syndrome, Kaeser type; Desmin-related myofibrillar myopathy; Dilated cardiomyopathy 1I. Last evaluated: 2021-09-01. Review status: criteria provided, single submitter. Criteria: ACMG Guidelines, 2015. Collection method: clinical testing. Allele origin: unknown.

Women's Health and Genetics/Laboratory Corporation of America, LabCorp
Classification: Benign. Last evaluated: 2020-02-22. Review status: criteria provided, single submitter. Criteria: LabCorp Variant Classification Summary - May 2015. Collection method: clinical testing. Allele origin: germline.

Illumina Laboratory Services, Illumina
Classification: Likely benign for Dilated cardiomyopathy 1I. Last evaluated: 2018-01-13. Review status: criteria provided, single submitter. Criteria: ICSL Variant Classification Criteria 13 December 2019. Collection method: clinical testing. Allele origin: germline.
Comment: This variant was observed in the ICSL laboratory as part of a predisposition screen in an ostensibly healthy population. It had not been previously curated by ICSL or reported in the Human Gene Mutation Database (HGMD: prior to June 1st, 2018), and was therefore a candidate for classification through an automated scoring system. Utilizing variant allele frequency, disease prevalence and penetrance estimates, and inheritance mode, an automated score was calculated to assess if this variant is too frequent to cause the disease. Based on the score and internal cut-off values, a variant classified as likely benign is not then subjected to further curation. The score for this variant resulted in a classification of likely benign for this disease.

Illumina Laboratory Services, Illumina
Classification: Likely benign for Myofibrillar myopathy 1. Last evaluated: 2018-01-13. Review status: criteria provided, single submitter. Criteria: ICSL Variant Classification Criteria 13 December 2019. Collection method: clinical testing. Allele origin: germline.
Comment: the same text as in the submission from Illumina Laboratory Services, Illumina above.

Illumina Laboratory Services, Illumina
Classification: Benign for Neurogenic scapuloperoneal syndrome, Kaeser type. Last evaluated: 2018-01-13. Review status: criteria provided, single submitter. Criteria: ICSL Variant Classification Criteria 13 December 2019. Collection method: clinical testing. Allele origin: germline.
Comment: This variant was observed in the ICSL laboratory as part of a predisposition screen in an ostensibly healthy population. It had not been previously curated by ICSL or reported in the Human Gene Mutation Database (HGMD: prior to June 1st, 2018), and was therefore a candidate for classification through an automated scoring system. Utilizing variant allele frequency, disease prevalence and penetrance estimates, and inheritance mode, an automated score was calculated to assess if this variant is too frequent to cause the disease. Based on the score and internal cut-off values, a variant classified as benign is not then subjected to further curation. The score for this variant resulted in a classification of benign for this disease.

Ambry Genetics
Classification: Benign for Cardiovascular phenotype. Last evaluated: 2017-02-17. Review status: criteria provided, single submitter. Criteria: Ambry Variant Classification Scheme 2023. Collection method: clinical testing. Allele origin: germline.

Eurofins Ntd Llc (ga)
Classification: Benign. Last evaluated: 2015-05-05. Review status: criteria provided, single submitter. Criteria: EGL Classification Definitions 2015. Collection method: clinical testing. Allele origin: germline. Observed: 2 variant alleles, 2 heterozygotes.

GeneDx
Classification: Benign. Last evaluated: 2015-03-03. Review status: criteria provided, single submitter. Criteria: GeneDx Variant Classification Process June 2021. Collection method: clinical testing. Allele origin: germline. Affected: yes.

Laboratory for Molecular Medicine, Mass General Brigham Personalized Medicine
Classification: Benign. Last evaluated: 2013-04-17. Review status: criteria provided, single submitter. Criteria: LMM Criteria. Collection method: clinical testing. Allele origin: germline. Observed: 15 variant alleles.
Comment: Asp264Asp in exon 4 of DES: This variant is not expected to have clinical signif icance because it does not change an amino acid and has been identified in 7/128 Mexican American chromosomes by the 1000 Genomes Project (dbSNP rs150370918).

Breakthrough Genomics
Classification: Likely benign. Review status: criteria provided, single submitter. Criteria: ACMG Guidelines, 2015. Collection method: not provided. Allele origin: germline. Inheritance: Autosomal recessive inheritance. Affected: yes.

PreventionGenetics, part of Exact Sciences
Classification: Benign. Review status: criteria provided, single submitter. Criteria: ACMG Guidelines, 2015. Collection method: clinical testing. Allele origin: germline.

Clinical Genetics DNA and cytogenetics Diagnostics Lab, Erasmus MC, Erasmus Medical Center
Classification: Likely benign. Review status: no assertion criteria provided. Collection method: clinical testing. Allele origin: germline. Affected: yes. Study: VKGL Data-share Consensus. Not counted in ClinVar's aggregate classification.

Genetic Services Laboratory, University of Chicago
Classification: Likely benign for AllHighlyPenetrant. Review status: no assertion criteria provided. Collection method: clinical testing. Allele origin: germline. Inheritance: Autosomal dominant inheritance. Not counted in ClinVar's aggregate classification.
Comment: Likely benign based on allele frequency in 1000 Genomes Project or ESP global frequency and its presence in a patient with a rare or unrelated disease phenotype. NOT Sanger confirmed.

Joint Genome Diagnostic Labs from Nijmegen and Maastricht, Radboudumc and MUMC+
Classification: Benign. Review status: no assertion criteria provided. Collection method: clinical testing. Allele origin: germline. Affected: yes. Study: VKGL Data-share Consensus. Not counted in ClinVar's aggregate classification.